The following is an entry in ClinVar:

NM_000631.5(NCF4):c.33-3C>T

Genes: NCF4 (neutrophil cytosolic factor 4; plus strand), NCF4-AS1 (NCF4 antisense RNA 1; minus strand). Cytogenetic location: 22q12.3.
Variant type: single nucleotide variant.
Coding change: c.33-3C>T on transcript NM_000631.5 (MANE Select); 3 bases into the intron before coding-DNA position 33, C replaced by T.
Molecular consequence: intron variant.
Genome position (GRCh38, 1-based): chr22:36,864,042, C>T. VCF-style: chr22-36864042-C-T. GRCh37 (hg19) VCF-style: chr22-37260084-C-T.
Other names: c.33-3C>T (NM_013416.4).
Identifiers: ClinVar variation 1474317 (VCV001474317.3), dbSNP rs759545797, ClinGen allele CA10212813.

ClinVar aggregate classification (germline): Uncertain significance (1 of 4 stars; one submission).

Conditions:
Granulomatous disease, chronic, autosomal recessive, cytochrome b-positive, type 3. Also called: GRANULOMATOUS DISEASE, CHRONIC, DUE TO NCF4 DEFICIENCY; Granulomatous disease, chronic, autosomal recessive, cytochrome b-positive, type III; GRANULOMATOUS DISEASE, CHRONIC, AUTOSOMAL RECESSIVE, 3; CGD, AUTOSOMAL RECESSIVE CYTOCHROME b-POSITIVE, TYPE III. Identifiers: Orphanet 379, MedGen C3151409, MONDO:0013507, OMIM 613960.

Allele frequency attached by ClinVar (database versions not stated): ExAC 0.00001; gnomAD exomes 0.00001; gnomAD 0.00003; TOPMed 0.00003.
gnomAD v4.1: 30 of 1,613,812 alleles (0.0019%); highest among the groups gnomAD compares: Non-Finnish European, 0.0025%; no homozygotes.

Submission:

Labcorp Genetics (formerly Invitae), Labcorp
Classification: Uncertain significance for Granulomatous disease, chronic, autosomal recessive, cytochrome b-positive, type 3. Last evaluated: 2022-01-26. Review status: criteria provided, single submitter. Criteria: Invitae Variant Classification Sherloc (09022015). Collection method: clinical testing. Allele origin: germline.
Comment: This sequence change falls in intron 1 of the NCF4 gene. It does not directly change the encoded amino acid sequence of the NCF4 protein. It affects a nucleotide within the consensus splice site. This variant is present in population databases (rs759545797, gnomAD 0.002%). This variant has not been reported in the literature in individuals affected with NCF4-related conditions. Variants that disrupt the consensus splice site are a relatively common cause of aberrant splicing (PMID: 17576681, 9536098). Algorithms developed to predict the effect of sequence changes on RNA splicing suggest that this variant is not likely to affect RNA splicing. In summary, the available evidence is currently insufficient to determine the role of this variant in disease. Therefore, it has been classified as a Variant of Uncertain Significance.

Literature cited by the submitters: PubMed 17576681; PubMed 9536098.